The following is an entry in ClinVar:

NM_033026.6(PCLO):c.715A>G (p.Ile239Val)

Gene: PCLO (piccolo presynaptic cytomatrix protein; minus strand). Cytogenetic location: 7q21.11.
Variant type: single nucleotide variant.
Coding change: c.715A>G on transcript NM_033026.6 (MANE Select); coding-DNA position 715, A replaced by G.
Protein change: p.Ile239Val; replaces isoleucine 239 with valine.
Molecular consequence: missense variant.
Genome position (GRCh38, 1-based): chr7:83,155,926, T>C on the plus strand (A>G on the coding strand, the complement: PCLO is on the minus strand). VCF-style: chr7-83155926-T-C. GRCh37 (hg19) VCF-style: chr7-82785242-T-C.
Other names: c.715A>G (NM_033026.5); c.715A>G, p.Ile239Val (NM_014510.3); short protein forms I239V.
Identifiers: ClinVar variation 1371429 (VCV001371429.7), dbSNP rs774956570, ClinGen allele CA4321616.

ClinVar aggregate classification (germline): Conflicting classifications of pathogenicity. Review status: criteria provided, conflicting classifications (1 of 4 stars). 2 submissions from 2 submitters: Uncertain significance (1); Likely benign (1). Last evaluated 2025-10-18.

Conditions:
Inborn genetic diseases. Identifiers: MedGen C0950123, MeSH D030342.

Allele frequency attached by ClinVar (database versions not stated): TOPMed below 0.00001; ExAC 0.00001; gnomAD exomes 0.00001; gnomAD 0.00002.
gnomAD v4.1: 18 of 1,613,768 alleles (0.0011%); highest among the groups gnomAD compares: Admixed American, 0.0033%; no homozygotes.

Submissions (2):

Ambry Genetics
Classification: Likely benign for Inborn genetic diseases. Last evaluated: 2025-10-18. Review status: criteria provided, single submitter. Criteria: Ambry Variant Classification Scheme 2023. Collection method: clinical testing. Allele origin: germline.

Labcorp Genetics (formerly Invitae), Labcorp
Classification: Uncertain significance. Last evaluated: 2023-12-13. Review status: criteria provided, single submitter. Criteria: Invitae Variant Classification Sherloc (09022015). Collection method: clinical testing. Allele origin: germline.
Comment: This sequence change replaces isoleucine, which is neutral and non-polar, with valine, which is neutral and non-polar, at codon 239 of the PCLO protein (p.Ile239Val). This variant is present in population databases (rs774956570, gnomAD 0.005%). This variant has not been reported in the literature in individuals affected with PCLO-related conditions. ClinVar contains an entry for this variant (Variation ID: 1371429). Algorithms developed to predict the effect of missense changes on protein structure and function output the following: SIFT: "Not Available"; PolyPhen-2: "Not Available"; Align-GVGD: "Not Available". The valine amino acid residue is found in multiple mammalian species, which suggests that this missense change does not adversely affect protein function. In summary, the available evidence is currently insufficient to determine the role of this variant in disease. Therefore, it has been classified as a Variant of Uncertain Significance.